The following is an entry in ClinVar:

ClinVar aggregate classification (germline): Uncertain significance (1 of 4 stars; one submission).

Conditions:
Hypertrophic cardiomyopathy. Also called: HYPERTROPHIC MYOCARDIOPATHY. Identifiers: Orphanet 217569, MedGen C0007194, MeSH D002312, MONDO:0005045, HP:0001639.

Submission:

Labcorp Genetics (formerly Invitae), Labcorp
Classification: Uncertain significance for Hypertrophic cardiomyopathy. Last evaluated: 2023-07-28. Review status: criteria provided, single submitter. Criteria: Invitae Variant Classification Sherloc (09022015). Collection method: clinical testing. Allele origin: germline.
Comment: Advanced modeling of protein sequence and biophysical properties (such as structural, functional, and spatial information, amino acid conservation, physicochemical variation, residue mobility, and thermodynamic stability) performed at Invitae indicates that this missense variant is expected to disrupt MYH7 protein function. This variant has not been reported in the literature in individuals affected with MYH7-related conditions. This variant is not present in population databases (gnomAD no frequency). This sequence change replaces glutamic acid, which is acidic and polar, with glutamine, which is neutral and polar, at codon 1320 of the MYH7 protein (p.Glu1320Gln). In summary, the available evidence is currently insufficient to determine the role of this variant in disease. Therefore, it has been classified as a Variant of Uncertain Significance.

NM_000257.4(MYH7):c.3958G>C (p.Glu1320Gln)

Gene: MYH7 (myosin heavy chain 7; minus strand). Cytogenetic location: 14q11.2.
Variant type: single nucleotide variant.
Coding change: c.3958G>C on transcript NM_000257.4 (MANE Select); coding-DNA position 3958, G replaced by C.
Protein change: p.Glu1320Gln; replaces glutamic acid 1320 with glutamine.
Molecular consequence: missense variant.
Genome position (GRCh38, 1-based): chr14:23,419,191, C>G on the plus strand (G>C on the coding strand, the complement: MYH7 is on the minus strand). VCF-style: chr14-23419191-C-G. GRCh37 (hg19) VCF-style: chr14-23888400-C-G.
Other names: c.3958G>C, p.Glu1320Gln (NM_001407004.1); short protein forms E1320Q.
Identifiers: ClinVar variation 2747845 (VCV002747845.3), dbSNP rs2502260100, ClinGen allele CA389041463.